The following is an entry in ClinVar:

NM_001164508.2(NEB):c.22648_22649insA (p.Ser7550fs)

Genes: NEB (nebulin; minus strand), RIF1 (replication timing regulatory factor 1; plus strand). Cytogenetic location: 2q23.3.
Variant type: Insertion.
Coding change: c.22648_22649insA on transcript NM_001164508.2 (MANE Select); coding-DNA positions 22648 to 22649, A inserted.
Protein change: p.Ser7550fs; shifts the reading frame from serine 7550.
Molecular consequence: frameshift variant.
Genome position: GRCh38 VCF-style: chr2-151519011-G-GT. GRCh37 (hg19) VCF-style: chr2-152375525-G-GT.
Other names: c.22648_22649insA, p.Ser7550fs (NM_001164507.2); c.22753_22754insA, p.Ser7585fs (NM_001271208.2); c.17545_17546insA, p.Ser5849fs (NM_004543.5); short protein forms S5849fs, S7550fs, S7585fs.
Identifiers: ClinVar variation 5013892 (VCV005013892.1).

ClinVar aggregate classification (germline): Pathogenic (1 of 4 stars; one submission).

Conditions:
Nemaline myopathy 2 (NEM2). Also called: Nemaline myopathy 2, autosomal recessive. Identifiers: MedGen C1850569, MONDO:0009725, OMIM 256030.

Submission:

Myriad Genetics, Inc.
Classification: Pathogenic for Nemaline myopathy 2. Last evaluated: 2024-12-26. Review status: criteria provided, single submitter. Criteria: Myriad Autosomal Dominant, Autosomal Recessive and X-Linked Classification Criteria (2023). Collection method: clinical testing. Allele origin: unknown.
Comment: NM_001271208.1(NEB):c.22753_22754insA(S7585Yfs*24) is expected to be pathogenic in the context of NEB-related nemaline myopathy. This variant is predicted to lead to an abnormal or absent protein product due to the creation of a premature termination codon in NEB, a gene where loss-of-function variants are known to be pathogenic. Please note: this variant was assessed in the context of healthy population screening.